The following is an entry in ClinVar:

NM_030662.4(MAP2K2):c.*2A>T

Gene: MAP2K2 (mitogen-activated protein kinase kinase 2; minus strand). Cytogenetic location: 19p13.3.
Variant type: single nucleotide variant.
Coding change: c.*2A>T on transcript NM_030662.4 (MANE Select); 2 bases downstream of the stop codon, A replaced by T.
Molecular consequence: 3 prime UTR variant.
Genome position (GRCh38, 1-based): chr19:4,090,596, T>A on the plus strand (A>T on the coding strand, the complement: MAP2K2 is on the minus strand). VCF-style: chr19-4090596-T-A. GRCh37 (hg19) VCF-style: chr19-4090594-T-A.
Identifiers: ClinVar variation 383208 (VCV000383208.1), dbSNP rs1057521556, ClinGen allele CA16607833.
Genomic context (GRCh38, chr19:4,090,596, plus strand): 5'-GGCGGGGCATGGACAGGGACGGTGGGCAGGTCACCAGCGGGACGCAGGGAGCCCGGCCAC[T>A]GTCACACGGCGGTGCGCGTGGGTGTGCCGGGCTGGTTCAGCCGCAGGGTTTTACACAACC-3'

ClinVar aggregate classification (germline): Likely benign (1 of 4 stars; one submission).

Allele frequency attached by ClinVar (database versions not stated): gnomAD exomes 0.00001 and 0.00002.
gnomAD v4.1: 23 of 1,550,102 alleles (0.0015%); highest among the groups gnomAD compares: Non-Finnish European, 0.002%; no homozygotes.

Submission:

GeneDx
Classification: Likely benign. Last evaluated: 2016-01-28. Review status: criteria provided, single submitter. Criteria: GeneDx Variant Classification (06012015). Collection method: clinical testing. Allele origin: germline. Affected: yes.
Comment: This variant is considered likely benign or benign based on one or more of the following criteria: it is a conservative change, it occurs at a poorly conserved position in the protein, it is predicted to be benign by multiple in silico algorithms, and/or has population frequency not consistent with disease.